The following is an entry in ClinVar:

NM_002340.6(LSS):c.1059C>T (p.Pro353=)

Gene: LSS (lanosterol synthase; minus strand). Cytogenetic location: 21q22.3.
Variant type: single nucleotide variant.
Coding change: c.1059C>T on transcript NM_002340.6 (MANE Select); coding-DNA position 1059, C replaced by T.
Protein change: p.Pro353=; no amino-acid change (proline 353 retained).
Molecular consequence: synonymous variant.
Genome position (GRCh38, 1-based): chr21:46,213,788, G>A on the plus strand (C>T on the coding strand, the complement: LSS is on the minus strand). VCF-style: chr21-46213788-G-A. GRCh37 (hg19) VCF-style: chr21-47633702-G-A.
Other names: c.1059C>T, p.Pro353= (NM_001001438.3); c.1026C>T, p.Pro342= (NM_001145436.2); c.819C>T, p.Pro273= (NM_001145437.2).
Identifiers: ClinVar variation 4873359 (VCV004873359.2).

ClinVar aggregate classification (germline): Likely benign (1 of 4 stars; one submission).

gnomAD v4.1: 33 of 1,614,030 alleles (0.002%); highest among the groups gnomAD compares: East Asian, 0.011%; no homozygotes.

Submission:

CeGaT Center for Human Genetics Tuebingen
Classification: Likely benign. Last evaluated: 2026-05-01. Review status: criteria provided, single submitter. Criteria: CeGaT Center For Human Genetics Tuebingen Variant Classification Criteria Version 2. Collection method: clinical testing. Allele origin: germline. Affected: yes. Observed: 1 variant allele.
Comment: LSS: BP4, BP7